The following is an entry in ClinVar:

NM_003412.4(ZIC1):c.1021del (p.Arg341fs)

Gene: ZIC1 (Zic family member 1; plus strand). Cytogenetic location: 3q24.
Variant type: Deletion.
Coding change: c.1021del on transcript NM_003412.4 (MANE Select); coding-DNA position 1021, one base deleted (C; older notation c.1021delC).
Protein change: p.Arg341fs; shifts the reading frame from arginine 341.
Molecular consequence: frameshift variant.
Genome position (GRCh38, 1-based): chr3:147,412,556, C deleted; the last of 2 consecutive C bases (chr3:147,412,555-147,412,556); deleting either gives the same sequence. VCF-style (leftmost placement, unchanged base first): chr3-147412554-AC-A. GRCh37 (hg19) VCF-style: chr3-147130341-AC-A.
Other names: short protein forms R341fs.
Identifiers: ClinVar variation 3373190 (VCV003373190.1).

ClinVar aggregate classification (germline): Uncertain significance (1 of 4 stars; one submission).

Submission:

GeneDx
Classification: Uncertain significance. Last evaluated: 2024-04-30. Review status: criteria provided, single submitter. Criteria: GeneDx Variant Classification Process June 2021. Collection method: clinical testing. Allele origin: germline. Affected: yes.
Comment: Not observed at significant frequency in large population cohorts (gnomAD); Frameshift variant predicted to result in abnormal protein length as the last 107 amino acids are replaced with 40 different amino acids; Has not been previously published as pathogenic or benign to our knowledge